The following is an entry in ClinVar:

NM_004100.5(EYA4):c.*2425C>T

Genes: EYA4 (EYA transcriptional coactivator and phosphatase 4; plus strand), TARID (TCF21 antisense RNA inducing promoter demethylation; minus strand). Cytogenetic location: 6q23.2.
Variant type: single nucleotide variant.
Coding change: c.*2425C>T on transcript NM_004100.5 (MANE Select); 2425 bases downstream of the stop codon, C replaced by T.
Molecular consequence: 3 prime UTR variant.
Genome position (GRCh38, 1-based): chr6:133,531,230, C>T. VCF-style: chr6-133531230-C-T. GRCh37 (hg19) VCF-style: chr6-133852368-C-T.
Other names: c.*2425C>T (NM_001301012.2, NM_001301013.2, NM_001370458.1 and 3 more transcripts).
Identifiers: ClinVar variation 1686731 (VCV001686731.2), dbSNP rs114670853, ClinGen allele CA4008535.

ClinVar aggregate classification (germline): Likely benign (1 of 4 stars; one submission).

Allele frequency attached by ClinVar (database versions not stated): ExAC 0.00009; gnomAD exomes 0.00029 and 0.00058; gnomAD 0.00291 and 0.00307; TOPMed 0.00335; 1000 Genomes Project 0.00359; 1000 Genomes Project 30x 0.00422.
gnomAD v4.1: 851 of 1,533,212 alleles (0.056%); highest among the groups gnomAD compares: African/African-American, 1%; 5 homozygotes.

Submission:

GeneDx
Classification: Likely benign. Last evaluated: 2021-11-17. Review status: criteria provided, single submitter. Criteria: GeneDx Variant Classification Process June 2021. Collection method: clinical testing. Allele origin: germline. Affected: yes.
Comment: See Variant Classification Assertion Criteria.